The following is an entry in ClinVar:

NM_014727.3(KMT2B):c.3774A>G (p.Lys1258=)

Gene: KMT2B (lysine methyltransferase 2B; plus strand). Cytogenetic location: 19q13.12.
Variant type: single nucleotide variant.
Coding change: c.3774A>G on transcript NM_014727.3 (MANE Select); coding-DNA position 3774, A replaced by G.
Protein change: p.Lys1258=; no amino-acid change (lysine 1258 retained).
Molecular consequence: synonymous variant.
Genome position (GRCh38, 1-based): chr19:35,725,610, A>G. VCF-style: chr19-35725610-A-G. GRCh37 (hg19) VCF-style: chr19-36216511-A-G.
Identifiers: ClinVar variation 2761006 (VCV002761006.3), dbSNP rs2513331521, ClinGen allele CA507307074.

ClinVar aggregate classification (germline): Uncertain significance (1 of 4 stars; one submission).

Allele frequency attached by ClinVar (database versions not stated): gnomAD exomes below 0.00001.
gnomAD v4.1: 1 of 1,610,856 alleles (0.000062%); highest among the groups gnomAD compares: Non-Finnish European, 0.000085%; no homozygotes.

Submission:

Labcorp Genetics (formerly Invitae), Labcorp
Classification: Uncertain significance. Last evaluated: 2023-09-15. Review status: criteria provided, single submitter. Criteria: Invitae Variant Classification Sherloc (09022015). Collection method: clinical testing. Allele origin: germline.
Comment: This sequence change affects codon 1258 of the KMT2B mRNA. It is a 'silent' change, meaning that it does not change the encoded amino acid sequence of the KMT2B protein. This variant is not present in population databases (gnomAD no frequency). This variant has not been reported in the literature in individuals affected with KMT2B-related conditions. Algorithms developed to predict the effect of sequence changes on RNA splicing suggest that this variant may disrupt the consensus splice site. In summary, the available evidence is currently insufficient to determine the role of this variant in disease. Therefore, it has been classified as a Variant of Uncertain Significance.